The following is an entry in ClinVar:

ClinVar aggregate classification (germline): Uncertain significance (1 of 4 stars; one submission).

Conditions:
Intellectual developmental disorder, autosomal dominant 1. Also called: Intellectual disability, autosomal dominant 1; MBD5 Haploinsufficiency. Identifiers: Orphanet 228402, MedGen C1969562, MONDO:0007974, OMIM 156200.

Submission:

Labcorp Genetics (formerly Invitae), Labcorp
Classification: Uncertain significance for Intellectual developmental disorder, autosomal dominant 1. Last evaluated: 2020-10-27. Review status: criteria provided, single submitter. Criteria: Invitae Variant Classification Sherloc (09022015). Collection method: clinical testing. Allele origin: germline.
Comment: In summary, the available evidence is currently insufficient to determine the role of this variant in disease. Therefore, it has been classified as a Variant of Uncertain Significance. Algorithms developed to predict the effect of missense changes on protein structure and function are either unavailable or do not agree on the potential impact of this missense change (SIFT: "Deleterious"; PolyPhen-2: "Probably Damaging"; Align-GVGD: "Class C0"). This variant has not been reported in the literature in individuals with MBD5-related conditions. This variant is not present in population databases (ExAC no frequency). This sequence change replaces proline with histidine at codon 187 of the MBD5 protein (p.Pro187His). The proline residue is highly conserved and there is a moderate physicochemical difference between proline and histidine.

NM_001378120.1(MBD5):c.560C>A (p.Pro187His)

Gene: MBD5 (methyl-CpG binding domain protein 5; plus strand). Cytogenetic location: 2q23.1.
Variant type: single nucleotide variant.
Coding change: c.560C>A on transcript NM_001378120.1 (MANE Select); coding-DNA position 560, C replaced by A.
Protein change: p.Pro187His; replaces proline 187 with histidine.
Molecular consequence: missense variant.
Genome position (GRCh38, 1-based): chr2:148,468,503, C>A. VCF-style: chr2-148468503-C-A. GRCh37 (hg19) VCF-style: chr2-149226072-C-A.
Other names: c.560C>A, p.Pro187His (NM_018328.5); short protein forms P187H.
Identifiers: ClinVar variation 1406590 (VCV001406590.9), dbSNP rs2105623463, ClinGen allele CA348717065.